The following is an entry in ClinVar:

ClinVar aggregate classification (germline): Benign/Likely benign. Review status: criteria provided, multiple submitters, no conflicts (2 of 4 stars). 2 submissions from 2 submitters: Benign (1); Likely benign (1). Last evaluated 2022-05-01.

Allele frequency attached by ClinVar (database versions not stated): ExAC 0.00134; ESP Exome Variant Server 0.00253; gnomAD 0.00307 and 0.00327; TOPMed 0.00350; 1000 Genomes Project 0.00379; 1000 Genomes Project 30x 0.00453.
gnomAD v4.1: 967 of 1,573,560 alleles (0.061%); highest among the groups gnomAD compares: African/African-American, 1.1%; 5 homozygotes.

Submissions (2):

CeGaT Center for Human Genetics Tuebingen
Classification: Likely benign. Last evaluated: 2022-05-01. Review status: criteria provided, single submitter. Criteria: CeGaT Center For Human Genetics Tuebingen Variant Classification Criteria Version 2. Collection method: clinical testing. Allele origin: germline. Affected: yes. Observed: 1 variant allele.
Comment: TRPM5: BP4, BP7

Labcorp Genetics (formerly Invitae), Labcorp
Classification: Benign. Last evaluated: 2018-08-16. Review status: criteria provided, single submitter. Criteria: Invitae Variant Classification Sherloc (09022015). Collection method: clinical testing. Allele origin: germline.

NM_014555.4(TRPM5):c.1365C>T (p.Pro455=)

Gene: TRPM5 (transient receptor potential cation channel subfamily M member 5; minus strand). Cytogenetic location: 11p15.5.
Variant type: single nucleotide variant.
Coding change: c.1365C>T on transcript NM_014555.4 (MANE Select); coding-DNA position 1365, C replaced by T.
Protein change: p.Pro455=; no amino-acid change (proline 455 retained).
Molecular consequence: synonymous variant.
Genome position (GRCh38, 1-based): chr11:2,415,235, G>A on the plus strand (C>T on the coding strand, the complement: TRPM5 is on the minus strand). VCF-style: chr11-2415235-G-A. GRCh37 (hg19) VCF-style: chr11-2436465-G-A.
Identifiers: ClinVar variation 723529 (VCV000723529.35), dbSNP rs200801959, ClinGen allele CA5821550.